The following is an entry in ClinVar:

ClinVar aggregate classification (germline): Pathogenic/Likely pathogenic. Review status: criteria provided, multiple submitters, no conflicts (2 of 4 stars). 2 submissions from 2 submitters: Pathogenic (1); Likely pathogenic (1). Last evaluated 2025-05-04.

Conditions:
Fanconi anemia (FA). Also called: Fanconi's anemia. Identifiers: Orphanet 84, MedGen C0015625, MeSH D005199, MONDO:0019391.

Allele frequency attached by ClinVar (database versions not stated): gnomAD exomes below 0.00001.

Submissions (2):

GeneDx
Classification: Likely pathogenic. Last evaluated: 2025-05-04. Review status: criteria provided, single submitter. Criteria: GeneDx Variant Classification Process June 2021. Collection method: clinical testing. Allele origin: germline. Affected: yes.
Comment: Frameshift variant predicted to result in protein truncation or nonsense mediated decay in a gene for which loss of function is a known mechanism of disease; Not observed at significant frequency in large population cohorts (gnomAD); Observed in an individual with renal cell carcinoma and prostate cancer (PMID: 35441217); This variant is associated with the following publications: (PMID: 35441217)

Labcorp Genetics (formerly Invitae), Labcorp
Classification: Pathogenic for Fanconi anemia. Last evaluated: 2022-06-15. Review status: criteria provided, single submitter. Criteria: Invitae Variant Classification Sherloc (09022015). Collection method: clinical testing. Allele origin: germline.
Comment: For these reasons, this variant has been classified as Pathogenic. This sequence change creates a premature translational stop signal (p.Leu1080Valfs*14) in the FANCM gene. It is expected to result in an absent or disrupted protein product. Loss-of-function variants in FANCM are known to be pathogenic (PMID: 29895858, 30075111). This variant is not present in population databases (gnomAD no frequency). This variant has not been reported in the literature in individuals affected with FANCM-related conditions.

Literature cited by the submitters: PubMed 29895858 (cited by Labcorp Genetics (formerly Invitae), Labcorp); PubMed 30075111 (cited by Labcorp Genetics (formerly Invitae), Labcorp).

NM_020937.4(FANCM):c.3235_3238del (p.Leu1080fs)

Gene: FANCM (FA complementation group M; plus strand). Cytogenetic location: 14q21.2.
Variant type: Deletion.
Coding change: c.3235_3238del on transcript NM_020937.4 (MANE Select); coding-DNA positions 3235 to 3238, 4 bases deleted (AGTC; older notation c.3235_3238delAGTC).
Protein change: p.Leu1080fs; shifts the reading frame from leucine 1080.
Molecular consequence: frameshift variant.
Genome position (GRCh38, 1-based): chr14:45,175,989-45,175,992, AGTC deleted. VCF-style (leftmost placement, unchanged base first): chr14-45175988-AAGTC-A. GRCh37 (hg19) VCF-style: chr14-45645191-AAGTC-A.
Other names: c.3157_3160del, p.Leu1054fs (NM_001308133.2); c.3235_3238delAGTC, p.Leu1080Valfs (NM_020937.2); c.3235_3238del (NM_020937.2); short protein forms L1054fs, L1080fs.
Identifiers: ClinVar variation 2177306 (VCV002177306.5), dbSNP rs2503188648, ClinGen allele CA2580088237.